The following is an entry in ClinVar:

NM_152564.5(VPS13B):c.10219G>A (p.Gly3407Arg)

Gene: VPS13B (vacuolar protein sorting 13 homolog B; plus strand). Cytogenetic location: 8q22.2.
Variant type: single nucleotide variant.
Coding change: c.10219G>A on transcript NM_152564.5 (MANE Select); coding-DNA position 10219, G replaced by A.
Protein change: p.Gly3407Arg; replaces glycine 3407 with arginine.
Molecular consequence: missense variant.
Genome position (GRCh38, 1-based): chr8:99,853,608, G>A. VCF-style: chr8-99853608-G-A. GRCh37 (hg19) VCF-style: chr8-100865836-G-A.
Other names: c.10294G>A, p.Gly3432Arg (NM_017890.5); short protein forms G3407R.
Identifiers: ClinVar variation 95821 (VCV000095821.36), dbSNP rs6468694, ClinGen allele CA148905.

ClinVar aggregate classification (germline): Benign/Likely benign. Review status: criteria provided, multiple submitters, no conflicts (2 of 4 stars). 17 submissions from 17 submitters: Benign (12); Likely benign (2). 3 of the submissions do not count toward it. Last evaluated 2026-02-04.

Conditions:
Inborn genetic diseases. Identifiers: MedGen C0950123, MeSH D030342.
Cohen syndrome (COH1). Also called: PEPPER SYNDROME; Cutis verticis gyrata, retinitis pigmentosa, and sensorineural deafness. Identifiers: Orphanet 193, MedGen C0265223, MONDO:0008999, OMIM 216550.

Allele frequency attached by ClinVar (database versions not stated): 1000 Genomes Project 30x 0.11212; gnomAD 0.11916 and 0.11818; ESP Exome Variant Server 0.11964; TOPMed 0.12162; 1000 Genomes Project 0.11102.
gnomAD v4.1: 198,678 of 1,614,062 alleles (12%); highest among the groups gnomAD compares: Non-Finnish European, 13%; 12,684 homozygotes.

Submissions (17):

Labcorp Genetics (formerly Invitae), Labcorp
Classification: Benign for Cohen syndrome. Last evaluated: 2026-02-04. Review status: criteria provided, single submitter. Criteria: Invitae Variant Classification Sherloc (09022015). Collection method: clinical testing. Allele origin: germline.

Blueprint Genetics
Classification: Benign. Last evaluated: 2024-11-27. Review status: criteria provided, single submitter. Criteria: ACMG Guidelines, 2015. Collection method: clinical testing. Allele origin: germline.

Genome-Nilou Lab
Classification: Benign for Cohen syndrome. Last evaluated: 2021-07-01. Review status: criteria provided, single submitter. Criteria: ACMG Guidelines, 2015. Collection method: clinical testing. Allele origin: germline. Affected: no.

Women's Health and Genetics/Laboratory Corporation of America, LabCorp
Classification: Likely benign. Last evaluated: 2020-06-15. Review status: criteria provided, single submitter. Criteria: LabCorp Variant Classification Summary - May 2015. Collection method: clinical testing. Allele origin: germline.

Mayo Clinic Laboratories, Mayo Clinic
Classification: Benign. Last evaluated: 2018-03-28. Review status: criteria provided, single submitter. Criteria: ACMG Guidelines, 2015. Collection method: clinical testing. Allele origin: germline. Observed: 304 variant alleles.

Illumina Laboratory Services, Illumina
Classification: Benign for Cohen syndrome. Last evaluated: 2018-01-12. Review status: criteria provided, single submitter. Criteria: ICSL Variant Classification Criteria 13 December 2019. Collection method: clinical testing. Allele origin: germline.
Comment: This variant was observed in the ICSL laboratory as part of a predisposition screen in an ostensibly healthy population. It had not been previously curated by ICSL or reported in the Human Gene Mutation Database (HGMD: prior to June 1st, 2018), and was therefore a candidate for classification through an automated scoring system. Utilizing variant allele frequency, disease prevalence and penetrance estimates, and inheritance mode, an automated score was calculated to assess if this variant is too frequent to cause the disease. Based on the score and internal cut-off values, a variant classified as benign is not then subjected to further curation. The score for this variant resulted in a classification of benign for this disease.

Athena Diagnostics
Classification: Benign for Cohen syndrome. Last evaluated: 2017-05-16. Review status: criteria provided, single submitter. Criteria: Athena Diagnostics Criteria. Collection method: clinical testing. Allele origin: germline.

Ambry Genetics
Classification: Benign for Inborn genetic diseases. Last evaluated: 2016-03-13. Review status: criteria provided, single submitter. Criteria: Ambry Variant Classification Scheme 2023. Collection method: clinical testing. Allele origin: germline.

Clinical Genetics DNA and cytogenetics Diagnostics Lab, Erasmus MC, Erasmus Medical Center
Classification: Benign for Cohen syndrome. Last evaluated: 2015-09-21. Review status: criteria provided, single submitter. Criteria: ACGS Guidelines, 2013. Collection method: clinical testing. Allele origin: germline. Affected: yes. Study: VKGL Data-share Consensus.

GeneDx
Classification: Benign. Last evaluated: 2015-03-03. Review status: criteria provided, single submitter. Criteria: GeneDx Variant Classification Process June 2021. Collection method: clinical testing. Allele origin: germline. Affected: yes.

Genome Diagnostics Laboratory, University Medical Center Utrecht
Classification: Benign for Cohen syndrome. Last evaluated: 2014-10-09. Review status: criteria provided, single submitter. Criteria: ACGS Guidelines, 2013. Collection method: clinical testing. Allele origin: germline. Affected: yes. Study: VKGL Data-share Consensus.

Eurofins Ntd Llc (ga)
Classification: Benign. Last evaluated: 2014-01-24. Review status: criteria provided, single submitter. Criteria: EGL Classification Definitions 2015. Collection method: clinical testing. Allele origin: germline. Observed: 6 variant alleles, 6 heterozygotes.

Breakthrough Genomics
Classification: Likely benign. Review status: criteria provided, single submitter. Criteria: ACMG Guidelines, 2015. Collection method: not provided. Allele origin: germline. Inheritance: Autosomal recessive inheritance. Affected: yes.

PreventionGenetics, part of Exact Sciences
Classification: Benign. Review status: criteria provided, single submitter. Criteria: ACMG Guidelines, 2015. Collection method: clinical testing. Allele origin: germline.

Natera, Inc.
Classification: Benign for Cohen syndrome. Last evaluated: 2020-09-16. Review status: no assertion criteria provided. Collection method: clinical testing. Allele origin: germline. Not counted in ClinVar's aggregate classification.

Genetic Services Laboratory, University of Chicago
Classification: Likely benign for AllHighlyPenetrant. Review status: no assertion criteria provided. Collection method: clinical testing. Allele origin: germline. Inheritance: Autosomal recessive inheritance. Not counted in ClinVar's aggregate classification.
Comment: Likely benign based on allele frequency in 1000 Genomes Project or ESP global frequency and its presence in a patient with a rare or unrelated disease phenotype. NOT Sanger confirmed.

Joint Genome Diagnostic Labs from Nijmegen and Maastricht, Radboudumc and MUMC+
Classification: Benign. Review status: no assertion criteria provided. Collection method: clinical testing. Allele origin: germline. Affected: yes. Study: VKGL Data-share Consensus. Not counted in ClinVar's aggregate classification.

Literature cited by the submitters: PubMed 27829003 (cited by Athena Diagnostics); PubMed 19006247 (cited by Athena Diagnostics).